The following is an entry in ClinVar:

ClinVar aggregate classification (germline): Uncertain significance. Review status: criteria provided, multiple submitters, no conflicts (2 of 4 stars). 3 submissions from 3 submitters: Uncertain significance (3). Last evaluated 2025-01-06.

Conditions:
Cardiomyopathy (CMYO). Also called: Cardiomyopathies. Identifiers: Orphanet 167848, MedGen C0878544, MONDO:0004994, HP:0001638. Inheritance: Various modes of inheritance.
Hypertrophic cardiomyopathy. Also called: HYPERTROPHIC MYOCARDIOPATHY. Identifiers: Orphanet 217569, MedGen C0007194, MeSH D002312, MONDO:0005045, HP:0001639.

gnomAD v4.1: 7 of 1,614,208 alleles (0.00043%); highest among the groups gnomAD compares: South Asian, 0.0066%; no homozygotes.

Submissions (3):

Color Diagnostics, LLC DBA Color Health
Classification: Uncertain significance for Cardiomyopathy. Last evaluated: 2025-01-06. Review status: criteria provided, single submitter. Criteria: ACMG Guidelines, 2015. Collection method: clinical testing. Allele origin: germline.
Comment: This missense variant replaces valine with leucine at codon 1674 of the MYH7 protein. Computational prediction suggests that this variant may not impact protein structure and function. To our knowledge, functional studies have not been reported for this variant. This variant has not been reported in individuals affected with MYH7-related disorders in the literature. This variant has been identified in 1/251412 chromosomes in the general population by the Genome Aggregation Database (gnomAD). The available evidence is insufficient to determine the role of this variant in disease conclusively. Therefore, this variant is classified as a Variant of Uncertain Significance.

Labcorp Genetics (formerly Invitae), Labcorp
Classification: Uncertain significance for Hypertrophic cardiomyopathy. Last evaluated: 2024-03-07. Review status: criteria provided, single submitter. Criteria: Invitae Variant Classification Sherloc (09022015). Collection method: clinical testing. Allele origin: germline.
Comment: This sequence change replaces valine, which is neutral and non-polar, with leucine, which is neutral and non-polar, at codon 1674 of the MYH7 protein (p.Val1674Leu). This variant is present in population databases (no rsID available, gnomAD 0.003%). This missense change has been observed in individual(s) with dilated cardiomyopathy (PMID: 27532257). Advanced modeling of protein sequence and biophysical properties (such as structural, functional, and spatial information, amino acid conservation, physicochemical variation, residue mobility, and thermodynamic stability) performed at Invitae indicates that this missense variant is not expected to disrupt MYH7 protein function with a negative predictive value of 95%. In summary, the available evidence is currently insufficient to determine the role of this variant in disease. Therefore, it has been classified as a Variant of Uncertain Significance.

Blueprint Genetics
Classification: Uncertain significance. Last evaluated: 2021-07-02. Review status: criteria provided, single submitter. Criteria: ACMG Guidelines, 2015. Collection method: clinical testing. Allele origin: germline.

Literature cited by the submitters: PubMed 27532257 (cited by Labcorp Genetics (formerly Invitae), Labcorp).

NM_000257.4(MYH7):c.5020G>C (p.Val1674Leu)

Genes: MHRT (myosin heavy chain associated RNA transcript; plus strand), MYH7 (myosin heavy chain 7; minus strand), LOC126861897 (BRD4-independent group 4 enhancer GRCh37_chr14:23884455-23885654; plus strand). Cytogenetic location: 14q11.2.
Variant type: single nucleotide variant.
Coding change: c.5020G>C on transcript NM_000257.4 (MANE Select); coding-DNA position 5020, G replaced by C.
Protein change: p.Val1674Leu; replaces valine 1674 with leucine.
Molecular consequence: missense variant. On other transcripts: non-coding transcript variant (1).
Genome position (GRCh38, 1-based): chr14:23,415,766, C>G on the plus strand (G>C on the coding strand, the complement: MYH7 is on the minus strand). VCF-style: chr14-23415766-C-G. GRCh37 (hg19) VCF-style: chr14-23884975-C-G.
Other names: c.5020G>C, p.Val1674Leu (NM_001407004.1); short protein forms V1674L.
Identifiers: ClinVar variation 2721134 (VCV002721134.5), dbSNP rs397516235, ClinGen allele CA389037123.
Genomic context (GRCh38, chr14:23,415,766, plus strand): 5'-GCTCCACCACGGCACGCAACTCCTCCAGCTCAGCCTGCAGCAGGTTGTTGCGCCGCTCCA[C>G]GATGGCGATGTTCTCCTTCAGGTCGTCGTTGGCACGGACTGCATCGTCCAGCTGAATCTG-3'
Protein context (NP_000248.2, residues 1664-1684): NDDLKENIAI[Val1674Leu]ERRNNLLQAE